The following is an entry in ClinVar:

ClinVar aggregate classification (germline): Uncertain significance (1 of 4 stars; one submission).

Conditions:
Inborn genetic diseases. Identifiers: MedGen C0950123, MeSH D030342.

gnomAD v4.1: 4 of 1,614,114 alleles (0.00025%); highest among the groups gnomAD compares: Non-Finnish European, 0.00025%; no homozygotes.

Submission:

Ambry Genetics
Classification: Uncertain significance for Inborn genetic diseases. Last evaluated: 2024-12-08. Review status: criteria provided, single submitter. Criteria: Ambry Variant Classification Scheme 2023. Collection method: clinical testing. Allele origin: germline.
Comment: The p.R271Q variant (also known as c.812G>A), located in coding exon 9 of the ASXL1 gene, results from a G to A substitution at nucleotide position 812. The arginine at codon 271 is replaced by glutamine, an amino acid with highly similar properties. This amino acid position is conserved. In addition, this alteration is predicted to be tolerated by in silico analysis. Based on the available evidence, the clinical significance of this variant remains unclear.

NM_015338.6(ASXL1):c.812G>A (p.Arg271Gln)

Gene: ASXL1 (ASXL transcriptional regulator 1; plus strand). Cytogenetic location: 20q11.21.
Variant type: single nucleotide variant.
Coding change: c.812G>A on transcript NM_015338.6 (MANE Select); coding-DNA position 812, G replaced by A.
Protein change: p.Arg271Gln; replaces arginine 271 with glutamine.
Molecular consequence: missense variant.
Genome position (GRCh38, 1-based): chr20:32,431,414, G>A. VCF-style: chr20-32431414-G-A. GRCh37 (hg19) VCF-style: chr20-31019217-G-A.
Other names: c.629G>A, p.Arg210Gln (NM_001363734.1); short protein forms R271Q, R210Q.
Identifiers: ClinVar variation 3439741 (VCV003439741.1).
Genomic context (GRCh38, chr20:32,431,414, plus strand): 5'-ATTTTGAGACACCTGGGTCCATTCTTGTCAACACCAACCTCCGTGCCCTGATCAACTCTC[G>A]GACCTTCCATGCCTTACCATCACACTTCCAGCAGCAGCTCCTCTTCCTCCTGCCTGAAGT-3'
Protein context (NP_056153.2, residues 261-281): NTNLRALINS[Arg271Gln]TFHALPSHFQ